The following is an entry in ClinVar:

NM_021067.5(GINS1):c.185T>C (p.Ile62Thr)

Gene: GINS1 (GINS complex subunit 1; plus strand). Cytogenetic location: 20p11.21.
Variant type: single nucleotide variant.
Coding change: c.185T>C on transcript NM_021067.5 (MANE Select); coding-DNA position 185, T replaced by C.
Protein change: p.Ile62Thr; replaces isoleucine 62 with threonine.
Molecular consequence: missense variant. On other transcripts: non-coding transcript variant (1).
Genome position (GRCh38, 1-based): chr20:25,417,148, T>C. VCF-style: chr20-25417148-T-C. GRCh37 (hg19) VCF-style: chr20-25397784-T-C.
Other names: c.185T>C, p.Ile62Thr (NM_001410830.1); short protein forms I62T.
Identifiers: ClinVar variation 2002424 (VCV002002424.4), dbSNP rs1196776724, ClinGen allele CA408447371.
Genomic context (GRCh38, chr20:25,417,148, plus strand): 5'-TAAATGCTCCTATCAGGAATGAAGCAAAGTCAGGTGGACGAAGTGATTTGATACCAACTA[T>C]CAAATTTCGACACTGTTCTCTGTTAAGAAATCGACGCTGCACTGTAGCATACCTGTAAGC-3'
Protein context (NP_066545.3, residues 52-72): SGGRSDLIPT[Ile62Thr]KFRHCSLLRN

ClinVar aggregate classification (germline): Uncertain significance (1 of 4 stars; one submission).

Submission:

Labcorp Genetics (formerly Invitae), Labcorp
Classification: Uncertain significance. Last evaluated: 2022-06-04. Review status: criteria provided, single submitter. Criteria: Invitae Variant Classification Sherloc (09022015). Collection method: clinical testing. Allele origin: germline.
Comment: This sequence change replaces isoleucine, which is neutral and non-polar, with threonine, which is neutral and polar, at codon 62 of the GINS1 protein (p.Ile62Thr). This variant is not present in population databases (gnomAD no frequency). This variant has not been reported in the literature in individuals affected with GINS1-related conditions. Algorithms developed to predict the effect of missense changes on protein structure and function are either unavailable or do not agree on the potential impact of this missense change (SIFT: "Not Available"; PolyPhen-2: "Benign"; Align-GVGD: "Not Available"). In summary, the available evidence is currently insufficient to determine the role of this variant in disease. Therefore, it has been classified as a Variant of Uncertain Significance.